The following is an entry in ClinVar:

NM_020843.4(SCAPER):c.2955-4T>C

Gene: SCAPER (S-phase cyclin A associated protein in the ER; minus strand). Cytogenetic location: 15q24.3.
Variant type: single nucleotide variant.
Coding change: c.2955-4T>C on transcript NM_020843.4 (MANE Select); 4 bases into the intron before coding-DNA position 2955, T replaced by C.
Molecular consequence: intron variant.
Genome position (GRCh38, 1-based): chr15:76,471,339, A>G on the plus strand (T>C on the coding strand, the complement: SCAPER is on the minus strand). VCF-style: chr15-76471339-A-G. GRCh37 (hg19) VCF-style: chr15-76763680-A-G.
Other names: c.2571-4T>C (NM_001353011.2); c.2553-4T>C (NM_001353012.2, NM_001353010.2); c.2973-4T>C (NM_001353009.2); c.2217-4T>C (NM_001145923.2).
Identifiers: ClinVar variation 4997393 (VCV004997393.1).

ClinVar aggregate classification (germline): Likely benign (1 of 4 stars; one submission).

Conditions:
SCAPER-related disorder. Also called: SCAPER-related condition.

Submission:

PreventionGenetics, part of Exact Sciences
Classification: Likely benign for SCAPER-related condition. Last evaluated: 2025-03-03. Review status: criteria provided, single submitter. Criteria: ACMG Guidelines, 2015. Collection method: clinical testing. Allele origin: germline.
Comment: This variant is classified as likely benign based on ACMG/AMP sequence variant interpretation guidelines (Richards et al. 2015 PMID: 25741868, with internal and published modifications).